The following is an entry in ClinVar:

NM_000048.4(ASL):c.925G>C (p.Gly309Arg)

Gene: ASL (argininosuccinate lyase; plus strand). Cytogenetic location: 7q11.21.
Variant type: single nucleotide variant.
Coding change: c.925G>C on transcript NM_000048.4 (MANE Select); coding-DNA position 925, G replaced by C.
Protein change: p.Gly309Arg; replaces glycine 309 with arginine.
Molecular consequence: missense variant. On other transcripts: intron variant (1).
Genome position (GRCh38, 1-based): chr7:66,089,282, G>C. VCF-style: chr7-66089282-G-C. GRCh37 (hg19) VCF-style: chr7-65554269-G-C.
Other names: c.925G>C, p.Gly309Arg (NM_001024943.2); c.847G>C, p.Gly283Arg (NM_001024946.2); c.918+107G>C (NM_001024944.2); short protein forms G283R, G309R.
Identifiers: ClinVar variation 4818372 (VCV004818372.1).

ClinVar aggregate classification (germline): Likely pathogenic (1 of 4 stars; one submission).

Conditions:
Argininosuccinate lyase deficiency. Also called: ARGININOSUCCINIC ACID LYASE DEFICIENCY; ASL DEFICIENCY; Argininosuccinic aciduria. Identifiers: Orphanet 23, MedGen C0268547, MONDO:0008815, OMIM 207900, HP:0025630.

Submission:

Natera, Inc.
Classification: Likely pathogenic for Argininosuccinate lyase deficiency. Last evaluated: 2025-12-03. Review status: criteria provided, single submitter. Criteria: Natera Variant Classification Schema (03/2026). Collection method: clinical testing. Allele origin: germline.
Comment: The c.925G>C variant in ASL is a missense variant predicted to cause substitution of glycine to arginine at amino acid 309. This variant is rare in the general population with a frequency below the threshold expected for the associated phenotype(s). Another variant at this same site results in an alteration predicted to cause a similar molecular effect has been observed in individual(s) with the associated phenotype. Computational prediction algorithms indicate this variant is likely to affect gene or protein function. Given the available evidence, this variant is classified as Likely Pathogenic.